The following is an entry in ClinVar:

NM_001371904.1(APOA5):c.940C>T (p.Leu314=)

Gene: APOA5 (apolipoprotein A5; minus strand). Cytogenetic location: 11q23.3.
Variant type: single nucleotide variant.
Coding change: c.940C>T on transcript NM_001371904.1 (MANE Select); coding-DNA position 940, C replaced by T.
Protein change: p.Leu314=; no amino-acid change (leucine 314 retained).
Molecular consequence: synonymous variant.
Genome position (GRCh38, 1-based): chr11:116,790,289, G>A on the plus strand (C>T on the coding strand, the complement: APOA5 is on the minus strand). VCF-style: chr11-116790289-G-A. GRCh37 (hg19) VCF-style: chr11-116661005-G-A.
Other names: c.940C>T (NM_052968.4); c.940C>T, p.Leu314= (NM_001166598.2, NM_052968.5).
Identifiers: ClinVar variation 1633428 (VCV001633428.12), dbSNP rs778540867, ClinGen allele CA6288958.

ClinVar aggregate classification (germline): Likely benign. Review status: criteria provided, multiple submitters, no conflicts (2 of 4 stars). 5 submissions from 5 submitters: Likely benign (4). 1 of the submissions does not count toward it. Last evaluated 2025-04-30.

Conditions:
Cardiovascular phenotype. Identifiers: MedGen CN230736.
APOA5-related disorder. Also called: APOA5-related condition.

Allele frequency attached by ClinVar (database versions not stated): TOPMed below 0.00001; gnomAD 0.00001 and 0.00002; ExAC 0.00002.

Submissions (5):

Ambry Genetics
Classification: Likely benign for Cardiovascular phenotype. Last evaluated: 2025-04-30. Review status: criteria provided, single submitter. Criteria: Ambry Variant Classification Scheme 2023. Collection method: clinical testing. Allele origin: germline.

Blueprint Genetics
Classification: Likely benign. Last evaluated: 2024-11-11. Review status: criteria provided, single submitter. Criteria: ACMG Guidelines, 2015. Collection method: clinical testing. Allele origin: germline.

Women's Health and Genetics/Laboratory Corporation of America, LabCorp
Classification: Likely benign. Last evaluated: 2023-07-18. Review status: criteria provided, single submitter. Criteria: LabCorp Variant Classification Summary - May 2015. Collection method: clinical testing. Allele origin: germline.

Labcorp Genetics (formerly Invitae), Labcorp
Classification: Likely benign. Last evaluated: 2021-08-31. Review status: criteria provided, single submitter. Criteria: Invitae Variant Classification Sherloc (09022015). Collection method: clinical testing. Allele origin: germline.

PreventionGenetics, part of Exact Sciences
Classification: Likely benign for APOA5-related condition. Last evaluated: 2024-01-08. Review status: no assertion criteria provided. Collection method: clinical testing. Allele origin: germline. Not counted in ClinVar's aggregate classification.
Comment: This variant is classified as likely benign based on ACMG/AMP sequence variant interpretation guidelines (Richards et al. 2015 PMID: 25741868, with internal and published modifications).